The following is an entry in ClinVar:

ClinVar aggregate classification (germline): Likely benign (1 of 4 stars; one submission).

Allele frequency attached by ClinVar (database versions not stated): ExAC 0.00001; gnomAD 0.00001; TOPMed 0.00001; gnomAD exomes 0.00002.
gnomAD v4.1: 25 of 1,614,098 alleles (0.0015%); highest among the groups gnomAD compares: Non-Finnish European, 0.002%; no homozygotes.

Submission:

CeGaT Center for Human Genetics Tuebingen
Classification: Likely benign. Last evaluated: 2022-11-01. Review status: criteria provided, single submitter. Criteria: CeGaT Center For Human Genetics Tuebingen Variant Classification Criteria Version 2. Collection method: clinical testing. Allele origin: germline. Affected: yes. Observed: 1 variant allele.
Comment: TNC: BP4, BP7

NM_002160.4(TNC):c.867C>T (p.Tyr289=)

Gene: TNC (tenascin C; minus strand). Cytogenetic location: 9q33.1.
Variant type: single nucleotide variant.
Coding change: c.867C>T on transcript NM_002160.4 (MANE Select); coding-DNA position 867, C replaced by T.
Protein change: p.Tyr289=; no amino-acid change (tyrosine 289 retained).
Molecular consequence: synonymous variant.
Genome position (GRCh38, 1-based): chr9:115,086,864, G>A on the plus strand (C>T on the coding strand, the complement: TNC is on the minus strand). VCF-style: chr9-115086864-G-A. GRCh37 (hg19) VCF-style: chr9-117849143-G-A.
Other names: c.867C>T, p.Tyr289= (NM_001410991.1).
Identifiers: ClinVar variation 2659459 (VCV002659459.24), dbSNP rs753278022, ClinGen allele CA5208941.
Genomic context (GRCh38, chr9:115,086,864, plus strand): 5'-GTCTTCGCCCGTGAAACCCTCATCACACACGCACTCATTCTCCACGCATCGTCCACGGTT[G>A]TAGCAATTGTTGAGACACAGAGGCTTGTTGCAGTCATCGCCTGCAAAGCCATCGTGGCAC-3'
Protein context (NP_002151.2, residues 279-299): CNKPLCLNNC[Tyr289=]NRGRCVENEC